The following is an entry in ClinVar:

ClinVar aggregate classification (germline): Benign (0 of 4 stars; one submission).

Conditions:
CARD10-related disorder. Also called: CARD10-related condition.

Submission:

PreventionGenetics, part of Exact Sciences
Classification: Benign for CARD10-related condition. Last evaluated: 2019-02-18. Review status: no assertion criteria provided. Collection method: clinical testing. Allele origin: germline.
Comment: This variant is classified as benign based on ACMG/AMP sequence variant interpretation guidelines (Richards et al. 2015 PMID: 25741868, with internal and published modifications).

NM_014550.4(CARD10):c.790AAGGAG[4] (p.264KE[4])

Gene: CARD10 (caspase recruitment domain family member 10; minus strand). Cytogenetic location: 22q13.1.
Variant type: Microsatellite.
Coding change: c.790AAGGAG[4] on transcript NM_014550.4 (MANE Select); four copies in a row of the 6-base unit AAGGAG starting at c.790; the reference has five copies in a row; one copy, 6 bases deleted.
Protein change: p.264KE[4].
Genome position (GRCh38, 1-based): chr22:37,510,302-37,510,307, CTCCTT deleted on the plus strand (AAGGAG on the coding strand, the reverse complement: CARD10 is on the minus strand); deleting any 6 consecutive bases within chr22:37,510,302-37,510,336 gives the same sequence; the position shown is the placement nearest the transcript's 3' end. VCF-style (leftmost placement, unchanged base first): chr22-37510301-GCTCCTT-G. GRCh37 (hg19) VCF-style: chr22-37906308-GCTCCTT-G.
Identifiers: ClinVar variation 3060276 (VCV003060276.2), dbSNP rs60611523, ClinGen allele CA10220070.
Genomic context (GRCh38, chr22:37,510,301, plus strand): 5'-GTGACGCCGTCAGCCGCTGGTTCTCAGCACGCAGCTCAGAGACAAGGTCCACATTGTCTG[GCTCCTT>G]CTCCTTCTCCTTCTCCTTCTCCTTCTCCTCTGCCCCAGGGGGCGGGCCCCTGGCCCTTCG-3'